The following is an entry in ClinVar:

NM_005477.3(HCN4):c.3264G>A (p.Ala1088=)

Gene: HCN4 (hyperpolarization activated cyclic nucleotide gated potassium channel 4; minus strand). Cytogenetic location: 15q24.1.
Variant type: single nucleotide variant.
Coding change: c.3264G>A on transcript NM_005477.3 (MANE Select); coding-DNA position 3264, G replaced by A.
Protein change: p.Ala1088=; no amino-acid change (alanine 1088 retained).
Molecular consequence: synonymous variant.
Genome position (GRCh38, 1-based): chr15:73,322,829, C>T on the plus strand (G>A on the coding strand, the complement: HCN4 is on the minus strand). VCF-style: chr15-73322829-C-T. GRCh37 (hg19) VCF-style: chr15-73615170-C-T.
Identifiers: ClinVar variation 506558 (VCV000506558.14), dbSNP rs752705479, ClinGen allele CA7648855.

ClinVar aggregate classification (germline): Likely benign. Review status: criteria provided, multiple submitters, no conflicts (2 of 4 stars). 5 submissions from 5 submitters: Likely benign (3). 2 of the submissions do not count toward it. Last evaluated 2025-12-20.

Conditions:
Cardiovascular phenotype. Identifiers: MedGen CN230736.
Brugada syndrome 8 (BRGDA8). Identifiers: Orphanet 130, MedGen C2751083, MONDO:0013148, OMIM 613123.

Allele frequency attached by ClinVar (database versions not stated): gnomAD exomes 0.00001 and 0.00004; gnomAD 0.00002 and 0.00003; TOPMed 0.00002; ExAC 0.00004.
gnomAD v4.1: 58 of 1,523,494 alleles (0.0038%); highest among the groups gnomAD compares: Non-Finnish European, 0.0046%; no homozygotes.

Submissions (5):

Labcorp Genetics (formerly Invitae), Labcorp
Classification: Likely benign for Brugada syndrome 8. Last evaluated: 2025-12-20. Review status: criteria provided, single submitter. Criteria: Invitae Variant Classification Sherloc (09022015). Collection method: clinical testing. Allele origin: germline.

Ambry Genetics
Classification: Likely benign for Cardiovascular phenotype. Last evaluated: 2019-10-30. Review status: criteria provided, single submitter. Criteria: Ambry Variant Classification Scheme 2023. Collection method: clinical testing. Allele origin: germline.

GeneDx
Classification: Likely benign. Last evaluated: 2017-01-18. Review status: criteria provided, single submitter. Criteria: GeneDx Variant Classification (06012015). Collection method: clinical testing. Allele origin: germline. Affected: yes.
Comment: This variant is considered likely benign or benign based on one or more of the following criteria: it is a conservative change, it occurs at a poorly conserved position in the protein, it is predicted to be benign by multiple in silico algorithms, and/or has population frequency not consistent with disease.

Clinical Genetics, Academic Medical Center
Classification: Benign. Review status: no assertion criteria provided. Collection method: clinical testing. Allele origin: germline. Affected: yes. Study: VKGL Data-share Consensus. Not counted in ClinVar's aggregate classification.

Joint Genome Diagnostic Labs from Nijmegen and Maastricht, Radboudumc and MUMC+
Classification: Likely benign. Review status: no assertion criteria provided. Collection method: clinical testing. Allele origin: germline. Affected: yes. Study: VKGL Data-share Consensus. Not counted in ClinVar's aggregate classification.